The following is an entry in ClinVar:

NM_001267550.2(TTN):c.32323C>A (p.Pro10775Thr)

Gene: TTN (titin; minus strand). Cytogenetic location: 2q31.2.
Variant type: single nucleotide variant.
Coding change: c.32323C>A on transcript NM_001267550.2 (MANE Select); coding-DNA position 32323, C replaced by A.
Protein change: p.Pro10775Thr; replaces proline 10775 with threonine.
Molecular consequence: missense variant. On other transcripts: intron variant (3).
Genome position (GRCh38, 1-based): chr2:178,685,587, G>T on the plus strand (C>A on the coding strand, the complement: TTN is on the minus strand). VCF-style: chr2-178685587-G-T. GRCh37 (hg19) VCF-style: chr2-179550314-G-T.
Other names: c.31372C>A, p.Pro10458Thr (NM_001256850.1); c.28591C>A, p.Pro9531Thr (NM_133378.4); c.13283-43270C>A (NM_003319.4); c.13859-43270C>A (NM_133437.4); c.13658-43270C>A (NM_133432.3); short protein forms P10458T, P10775T, P9531T.
Identifiers: ClinVar variation 2651670 (VCV002651670.24), dbSNP rs1212456375, ClinGen allele CA349549595.

ClinVar aggregate classification (germline): Uncertain significance (1 of 4 stars; one submission).

Submission:

CeGaT Center for Human Genetics Tuebingen
Classification: Uncertain significance. Last evaluated: 2022-09-01. Review status: criteria provided, single submitter. Criteria: CeGaT Center For Human Genetics Tuebingen Variant Classification Criteria Version 2. Collection method: clinical testing. Allele origin: germline. Affected: yes. Observed: 1 variant allele.
Comment: TTN: PM2